The following is an entry in ClinVar:

GRCh37/hg19 Xq28(chrX:154124111-154564398)

Genes: CMC4 (C-X9-C motif containing 4; minus strand), MTCP1 (mature T cell proliferation 1; minus strand), RAB39B (RAB39B, member RAS oncogene family; minus strand), VBP1 (VHL binding protein 1; plus strand), CLIC2 (chloride intracellular channel 2; minus strand) and 7 more. Cytogenetic location: Xq28.
Variant type: copy number gain.
Identifiers: ClinVar variation 189218 (VCV000189218.2).

ClinVar aggregate classification (germline): Pathogenic (0 of 4 stars; one submission).

Submission:

Baylor College of Medicine
Classification: Pathogenic. Review status: no assertion criteria provided. Criteria: clinical testing. Collection method: clinical testing. Allele origin: maternal, unknown. Affected: yes and no. Observed: 11 variant alleles. Clinical features observed: Distinctive facial features, cognitive impairment, tracheoesophageal fistula, cardiac valvular disease, atrial septal defect, Asymptomatic, hemihyperplasia. Study: int22h1/int22h2-mediated Xq28 duplication/deletion.
Comment: Clinical characterization of int22h1/int22h2-mediated Xq28 duplication/deletion